The following is an entry in ClinVar:

ClinVar aggregate classification (germline): Likely pathogenic. Review status: criteria provided, multiple submitters, no conflicts (2 of 4 stars). 3 submissions from 3 submitters: Likely pathogenic (3). Last evaluated 2025-01-07.

Conditions:
Hereditary spastic paraplegia 26 (SPG26). Also called: SPASTIC PARAPLEGIA 26, AUTOSOMAL RECESSIVE. Identifiers: Orphanet 101006, MedGen C1836632, MONDO:0012213, OMIM 609195.

Allele frequency attached by ClinVar (database versions not stated): gnomAD 0.00001; 1000 Genomes Project 30x 0.00016; 1000 Genomes Project 0.00020.
gnomAD v4.1: 2 of 1,611,986 alleles (0.00012%); highest among the groups gnomAD compares: East Asian, 0.0022%; no homozygotes.

Submissions (3):

Institute of Medical Genetics and Applied Genomics, University Hospital Tübingen
Classification: Likely pathogenic for Hereditary spastic paraplegia 26. Last evaluated: 2025-01-07. Review status: criteria provided, single submitter. Criteria: ACMG Guidelines, 2015. Collection method: clinical testing. Allele origin: germline. Inheritance: Autosomal recessive inheritance. Affected: yes.

MVZ Martinsried, Medicover Genetics
Classification: Likely pathogenic for Hereditary spastic paraplegia 26. Last evaluated: 2024-01-29. Review status: criteria provided, single submitter. Criteria: ACGS Guidelines, 2020. Collection method: clinical testing. Allele origin: inherited. Affected: yes. Observed: 1 homozygote.

Genetic Foundation of Khorasan Razavi (GFKR)
Classification: Likely pathogenic for Hereditary spastic paraplegia 26. Last evaluated: 2018-12-04. Review status: criteria provided, single submitter. Criteria: ACMG Guidelines, 2015. Collection method: clinical testing. Allele origin: inherited. Inheritance: Autosomal recessive inheritance. Affected: yes.
Comment: This variant is rare in population databases.Computational evidence predicts a deleterious effect on the protein, further supporting pathogenicity. This variant has been previously submitted to ClinVar and classified as likely pathogenic(Institute of Medical Genetics and Applied Genomics, University Hospital Tübingen,2025 and Center For Human Genetics And Laboratory Diagnostics, Dr. Klein, Dr. Rost And Colleagues,2024) . Taken together, these findings support a pathogenic classification according to ACMG/AMP guidelines.

NM_001478.5(B4GALNT1):c.1322C>A (p.Ala441Glu)

Gene: B4GALNT1 (beta-1,4-N-acetyl-galactosaminyltransferase 1; minus strand). Cytogenetic location: 12q13.3.
Variant type: single nucleotide variant.
Coding change: c.1322C>A on transcript NM_001478.5 (MANE Select); coding-DNA position 1322, C replaced by A.
Protein change: p.Ala441Glu; replaces alanine 441 with glutamic acid.
Molecular consequence: missense variant.
Genome position (GRCh38, 1-based): chr12:57,627,680, G>T on the plus strand (C>A on the coding strand, the complement: B4GALNT1 is on the minus strand). VCF-style: chr12-57627680-G-T. GRCh37 (hg19) VCF-style: chr12-58021463-G-T.
Other names: c.470C>A, p.Ala157Glu (NM_001413981.1); c.368C>A, p.Ala123Glu (NM_001413982.1); c.335C>A, p.Ala112Glu (NM_001413983.1, NM_001413984.1); c.1157C>A, p.Ala386Glu (NM_001276468.2, NM_001413978.1); c.1490C>A, p.Ala497Glu (NM_001413967.1); c.1457C>A, p.Ala486Glu (NM_001413968.1, NM_001413969.1); c.1355C>A, p.Ala452Glu (NM_001413970.1, NM_001413971.1, NM_001413972.1); c.1322C>A, p.Ala441Glu (NM_001413973.1, NM_001413974.1); and 1 more; short protein forms A112E, A123E, A157E, A386E, A408E, A441E, A452E, A486E.
Identifiers: ClinVar variation 3064127 (VCV003064127.3), dbSNP rs563575730, ClinGen allele CA237790241.
Genomic context (GRCh38, chr12:57,627,680, plus strand): 5'-AGATGAGCCACGCGGCTGAGGCGGGGGTCGAAACCGACCTCGCGCACCTTGTCAGTCCGC[G>T]CCAGGAAGAAGTTAACCACGCCGTCGGTGACCACGCAGCCTGGGAAGCCGACGAGCTCGT-3'
Protein context (NP_001469.1, residues 431-451): VTDGVVNFFL[Ala441Glu]RTDKVREVGF